The following is an entry in ClinVar:

ClinVar aggregate classification (germline): Likely benign (1 of 4 stars; one submission).

Allele frequency attached by ClinVar (database versions not stated): ESP Exome Variant Server 0.00044.
gnomAD v4.1: 373 of 1,551,360 alleles (0.024%); highest among the groups gnomAD compares: Non-Finnish European, 0.03%; no homozygotes.

Submission:

CeGaT Center for Human Genetics Tuebingen
Classification: Likely benign. Last evaluated: 2022-06-01. Review status: criteria provided, single submitter. Criteria: CeGaT Center For Human Genetics Tuebingen Variant Classification Criteria Version 2. Collection method: clinical testing. Allele origin: germline. Affected: yes. Observed: 1 variant allele.
Comment: EPN1: BP4, BP7

NM_001130072.2(EPN1):c.-101-923C>T

Gene: EPN1 (epsin 1; plus strand). Cytogenetic location: 19q13.42.
Variant type: single nucleotide variant.
Coding change: c.-101-923C>T on transcript NM_001130072.2 (MANE Select); 923 bases into the intron before 101 bases upstream of the start codon, C replaced by T.
Molecular consequence: intron variant. On other transcripts: synonymous variant (1).
Genome position (GRCh38, 1-based): chr19:55,677,604, C>T. VCF-style: chr19-55677604-C-T. GRCh37 (hg19) VCF-style: chr19-56188970-C-T.
Other names: c.102C>T, p.Ser34= (NM_001130071.2); c.-101-923C>T (NM_001321263.2, NM_013333.4).
Identifiers: ClinVar variation 2650538 (VCV002650538.24), dbSNP rs367940444, ClinGen allele CA9679484.